The following is an entry in ClinVar:

ClinVar aggregate classification (germline): Uncertain significance (1 of 4 stars; one submission).

Allele frequency attached by ClinVar (database versions not stated): gnomAD exomes 0.00001.
gnomAD v4.1: 8 of 1,431,948 alleles (0.00056%); highest among the groups gnomAD compares: Non-Finnish European, 0.00073%; no homozygotes.

Submission:

Labcorp Genetics (formerly Invitae), Labcorp
Classification: Uncertain significance. Last evaluated: 2025-07-30. Review status: criteria provided, single submitter. Criteria: Invitae Variant Classification Sherloc (09022015). Collection method: clinical testing. Allele origin: germline.
Comment: This sequence change replaces serine, which is neutral and polar, with proline, which is neutral and non-polar, at codon 64 of the CTDP1 protein (p.Ser64Pro). The frequency data for this variant in the population databases is considered unreliable, as metrics indicate poor data quality at this position in the gnomAD database. This variant has not been reported in the literature in individuals affected with CTDP1-related conditions. ClinVar contains an entry for this variant (Variation ID: 2868350). An algorithm developed to predict the effect of missense changes on protein structure and function outputs the following: PolyPhen-2: "Benign". The proline amino acid residue is found in multiple mammalian species, which suggests that this missense change does not adversely affect protein function. In summary, the available evidence is currently insufficient to determine the role of this variant in disease. Therefore, it has been classified as a Variant of Uncertain Significance.

NM_004715.5(CTDP1):c.190T>C (p.Ser64Pro)

Gene: CTDP1 (CTD phosphatase subunit 1; plus strand). Cytogenetic location: 18q23.
Variant type: single nucleotide variant.
Coding change: c.190T>C on transcript NM_004715.5 (MANE Select); coding-DNA position 190, T replaced by C.
Protein change: p.Ser64Pro; replaces serine 64 with proline.
Molecular consequence: missense variant.
Genome position (GRCh38, 1-based): chr18:79,680,137, T>C. VCF-style: chr18-79680137-T-C. GRCh37 (hg19) VCF-style: chr18-77440137-T-C.
Other names: c.190T>C, p.Ser64Pro (NM_001318511.2, NM_048368.4); short protein forms S64P.
Identifiers: ClinVar variation 2868350 (VCV002868350.3), dbSNP rs1430138886, ClinGen allele CA402825138.